The following is an entry in ClinVar:

ClinVar aggregate classification (germline): Uncertain significance (1 of 4 stars; one submission).

Conditions:
Wiskott-Aldrich syndrome 2 (WAS2). Also called: WIPF1 DEFICIENCY. Identifiers: Orphanet 906, MedGen C3281001, MONDO:0013779, OMIM 614493.

Allele frequency attached by ClinVar (database versions not stated): gnomAD 0.00001; TOPMed 0.00002.
gnomAD v4.1: 2 of 1,614,068 alleles (0.00012%); highest among the groups gnomAD compares: Admixed American, 0.0017%; no homozygotes.

Submission:

Labcorp Genetics (formerly Invitae), Labcorp
Classification: Uncertain significance for Wiskott-Aldrich syndrome 2. Last evaluated: 2022-08-19. Review status: criteria provided, single submitter. Criteria: Invitae Variant Classification Sherloc (09022015). Collection method: clinical testing. Allele origin: germline.
Comment: In summary, the available evidence is currently insufficient to determine the role of this variant in disease. Therefore, it has been classified as a Variant of Uncertain Significance. Algorithms developed to predict the effect of missense changes on protein structure and function are either unavailable or do not agree on the potential impact of this missense change (SIFT: "Not Available"; PolyPhen-2: "Probably Damaging"; Align-GVGD: "Not Available"). ClinVar contains an entry for this variant (Variation ID: 1470476). This variant has not been reported in the literature in individuals affected with WIPF1-related conditions. This variant is present in population databases (no rsID available, gnomAD 0.01%). This sequence change replaces proline, which is neutral and non-polar, with leucine, which is neutral and non-polar, at codon 458 of the WIPF1 protein (p.Pro458Leu).

NM_001375834.1(WIPF1):c.1373C>T (p.Pro458Leu)

Gene: WIPF1 (WAS/WASL interacting protein family member 1; minus strand). Cytogenetic location: 2q31.1.
Variant type: single nucleotide variant.
Coding change: c.1373C>T on transcript NM_001375834.1 (MANE Select); coding-DNA position 1373, C replaced by T.
Protein change: p.Pro458Leu; replaces proline 458 with leucine.
Molecular consequence: missense variant.
Genome position (GRCh38, 1-based): chr2:174,567,153, G>A on the plus strand (C>T on the coding strand, the complement: WIPF1 is on the minus strand). VCF-style: chr2-174567153-G-A. GRCh37 (hg19) VCF-style: chr2-175431881-G-A.
Other names: c.1373C>T, p.Pro458Leu (NM_001077269.1, NM_001375832.1, NM_003387.5 and 2 more transcripts); c.995C>T, p.Pro332Leu (NM_001375839.1); short protein forms P332L, P458L.
Identifiers: ClinVar variation 1470476 (VCV001470476.6), dbSNP rs1481250623, ClinGen allele CA349336015.
Genomic context (GRCh38, chr2:174,567,153, plus strand): 5'-TTGCTGGGATAACTTTTGGTCGTTTGTACATATGGCTCTGGAGGTGGCAAATCGGAAATC[G>A]GATGGAAGTAGAATCTGCTTTCCCACTCATCTGGGAAGAGAAACAAGCAGTATCTTCAGT-3'
Protein context (NP_001362763.1, residues 448-468): DEWESRFYFH[Pro458Leu]ISDLPPPEPY